The following is an entry in ClinVar:

NM_001282225.2(ADA2):c.1082-2A>G

Gene: ADA2 (adenosine deaminase 2; minus strand). Cytogenetic location: 22q11.1.
Variant type: single nucleotide variant.
Coding change: c.1082-2A>G on transcript NM_001282225.2 (MANE Select); the canonical splice acceptor site of the intron before coding-DNA position 1082, A replaced by G.
Molecular consequence: splice acceptor variant.
Genome position (GRCh38, 1-based): chr22:17,182,763, T>C on the plus strand (A>G on the coding strand, the complement: ADA2 is on the minus strand). VCF-style: chr22-17182763-T-C. GRCh37 (hg19) VCF-style: chr22-17663653-T-C.
Other names: c.956-2A>G (NM_001282227.2, NM_001282228.2); c.722-2A>G (NM_001282229.2); c.1082-2A>G (NM_001282226.2); c.359-2A>G (NM_177405.3).
Identifiers: ClinVar variation 1980381 (VCV001980381.4), dbSNP rs778965407, ClinGen allele CA10087956.

ClinVar aggregate classification (germline): Likely pathogenic (1 of 4 stars; one submission).

Conditions:
Deficiency of adenosine deaminase 2. Also called: Adenosine Deaminase 2 Deficiency; VASCULITIS, AUTOINFLAMMATION, IMMUNODEFICIENCY, AND HEMATOLOGIC DEFECTS SYNDROME; Polyarteritis nodosa, childhoood-onset. Identifiers: Orphanet 404553, MedGen C3887654, MONDO:0014306, OMIM 615688, MONDO:0100317.

Allele frequency attached by ClinVar (database versions not stated): gnomAD exomes below 0.00001; ExAC 0.00001.
gnomAD v4.1: 2 of 1,612,876 alleles (0.00012%); highest among the groups gnomAD compares: Admixed American, 0.0017%; no homozygotes.

Submission:

Labcorp Genetics (formerly Invitae), Labcorp
Classification: Likely pathogenic for Deficiency of adenosine deaminase 2. Last evaluated: 2022-09-30. Review status: criteria provided, single submitter. Criteria: Invitae Variant Classification Sherloc (09022015). Collection method: clinical testing. Allele origin: germline.
Comment: In summary, the currently available evidence indicates that the variant is pathogenic, but additional data are needed to prove that conclusively. Therefore, this variant has been classified as Likely Pathogenic. Algorithms developed to predict the effect of sequence changes on RNA splicing suggest that this variant may disrupt the consensus splice site. This variant has not been reported in the literature in individuals affected with ADA2-related conditions. This variant is present in population databases (rs778965407, gnomAD 0.003%). This sequence change affects an acceptor splice site in intron 7 of the ADA2 gene. It is expected to disrupt RNA splicing. Variants that disrupt the donor or acceptor splice site typically lead to a loss of protein function (PMID: 16199547), and loss-of-function variants in ADA2 are known to be pathogenic (PMID: 24552284, 24552285).

Literature cited by the submitters: PubMed 16199547; PubMed 24552284; PubMed 24552285.